The following is an entry in ClinVar:

NM_001355436.2(SPTB):c.1286G>A (p.Arg429Gln)

Gene: SPTB (spectrin beta, erythrocytic; minus strand). Cytogenetic location: 14q23.3.
Variant type: single nucleotide variant.
Coding change: c.1286G>A on transcript NM_001355436.2 (MANE Select); coding-DNA position 1286, G replaced by A.
Protein change: p.Arg429Gln; replaces arginine 429 with glutamine.
Molecular consequence: missense variant.
Genome position (GRCh38, 1-based): chr14:64,796,612, C>T on the plus strand (G>A on the coding strand, the complement: SPTB is on the minus strand). VCF-style: chr14-64796612-C-T. GRCh37 (hg19) VCF-style: chr14-65263330-C-T.
Other names: c.1286G>A, p.Arg429Gln (NM_001024858.4, NM_001355437.2); short protein forms R429Q.
Identifiers: ClinVar variation 313770 (VCV000313770.7), dbSNP rs780179918, ClinGen allele CA7231162.

ClinVar aggregate classification (germline): Uncertain significance. Review status: criteria provided, multiple submitters, no conflicts (2 of 4 stars). 2 submissions from 2 submitters: Uncertain significance (2). Last evaluated 2025-09-14.

Conditions:
Inborn genetic diseases. Identifiers: MedGen C0950123, MeSH D030342.

Allele frequency attached by ClinVar (database versions not stated): ExAC 0.00001; gnomAD exomes 0.00001 and 0.00003; gnomAD 0.00004; TOPMed 0.00008.
gnomAD v4.1: 55 of 1,614,114 alleles (0.0034%); highest among the groups gnomAD compares: African/African-American, 0.011%; no homozygotes.

Submissions (2):

Labcorp Genetics (formerly Invitae), Labcorp
Classification: Uncertain significance. Last evaluated: 2025-09-14. Review status: criteria provided, single submitter. Criteria: Invitae Variant Classification Sherloc (09022015). Collection method: clinical testing. Allele origin: germline.
Comment: This sequence change replaces arginine, which is basic and polar, with glutamine, which is neutral and polar, at codon 429 of the SPTB protein (p.Arg429Gln). This variant is present in population databases (rs780179918, gnomAD 0.007%). This variant has not been reported in the literature in individuals affected with SPTB-related conditions. ClinVar contains an entry for this variant (Variation ID: 313770). An algorithm developed to predict the effect of missense changes on protein structure and function (PolyPhen-2) suggests that this variant is likely to be disruptive. In summary, the available evidence is currently insufficient to determine the role of this variant in disease. Therefore, it has been classified as a Variant of Uncertain Significance.

Ambry Genetics
Classification: Uncertain significance for Inborn genetic diseases. Last evaluated: 2025-06-06. Review status: criteria provided, single submitter. Criteria: Ambry Variant Classification Scheme 2023. Collection method: clinical testing. Allele origin: germline.